The following is an entry in ClinVar:

Conditions:
Long QT syndrome 5 (LQT5). Identifiers: Orphanet 101016, Orphanet 768, MedGen C1867904, MONDO:0013372, OMIM 613695.

Submission:

Roden Lab, Vanderbilt University Medical Center
No classification provided (evidence only). Condition: Long QT syndrome 5. Review status: no classification provided. Collection method: in vitro. Allele origin: not applicable. Functional consequence: Effect on ion channel function.
ClinVar note: "not provided" was previously submitted as the classification for the variant. However, the classification appeared to be based only on an observation of functional data so it was converted to no classification on 2025-07-30.

NM_000219.6(KCNE1):c.135C>G (p.Leu45=)

Gene: KCNE1 (potassium voltage-gated channel subfamily E regulatory subunit 1; minus strand). Cytogenetic location: 21q22.12.
Variant type: single nucleotide variant.
Coding change: c.135C>G on transcript NM_000219.6 (MANE Select); coding-DNA position 135, C replaced by G.
Protein change: p.Leu45=; no amino-acid change (leucine 45 retained).
Molecular consequence: synonymous variant.
Genome position (GRCh38, 1-based): chr21:34,449,500, G>C on the plus strand (C>G on the coding strand, the complement: KCNE1 is on the minus strand). VCF-style: chr21-34449500-G-C. GRCh37 (hg19) VCF-style: chr21-35821798-G-C.
Other names: c.135C>G, p.Leu45= (NM_001127668.4, NM_001127669.4, NM_001127670.4 and 4 more transcripts).
Identifiers: ClinVar variation 3374141 (VCV003374141.2).